The following is an entry in ClinVar:

NM_000261.2(MYOC):c.1183G>A (p.Asp395Asn)

Gene: MYOC (myocilin; minus strand). Cytogenetic location: 1q24.3.
Variant type: single nucleotide variant.
Coding change: c.1183G>A on transcript NM_000261.2 (MANE Select); coding-DNA position 1183, G replaced by A.
Protein change: p.Asp395Asn; replaces aspartic acid 395 with asparagine.
Molecular consequence: missense variant.
Genome position (GRCh38, 1-based): chr1:171,636,257, C>T on the plus strand (G>A on the coding strand, the complement: MYOC is on the minus strand). VCF-style: chr1-171636257-C-T. GRCh37 (hg19) VCF-style: chr1-171605397-C-T.
Other names: NM_000261.2:c.1183G>A; short protein forms D395N.
Identifiers: ClinVar variation 2570633 (VCV002570633.2), dbSNP rs369157032, ClinGen allele CA1244069.

ClinVar aggregate classification (germline): Uncertain significance (3 of 4 stars; one submission).

Conditions:
Open-angle glaucoma. Identifiers: MedGen C0017612, MONDO:0005338, HP:0012108.

Allele frequency attached by ClinVar (database versions not stated): ExAC 0.00002; ESP Exome Variant Server 0.00008; gnomAD exomes 0.00002; TOPMed 0.00003; gnomAD 0.00001.

Submission:

ClinGen Glaucoma Variant Curation Expert Panel
Classification: Uncertain significance for Open-angle glaucoma. Last evaluated: 2026-01-12. Review status: reviewed by expert panel. Criteria: ClinGen Glaucoma ACMG Specifications V2.0.0 Approved. Collection method: curation. Allele origin: germline. Inheritance: Autosomal dominant inheritance.
Comment: The c.1183G>A variant in MYOC is a missense variant predicted to cause substitution of Aspartic Acid by Asparagine at amino acid 395 (p.Asp395Asn). The highest minor allele frequency of this variant was in the Remaining genetic ancestry group of gnomAD (v4.1.0) = 0.00003201 (2 alleles out of 62,486), which met the ≤ 0.0001 threshold set for PM2_Supporting in a genetic ancestry group of at least 10,000 alleles. This missense variant had a REVEL score = 0.174, which was within the 0.017-0.183 range for BP4_Moderate, suggesting that the variant does not impact MYOC function. There was no functional evidence predicting a damaging or benign impact of this variant on MYOC function. Only 1 proband with primary open angle glaucoma had been reported (E Souzeau per. comm.), not meeting the ≥ 2 probands threshold required to meet PS4_Supporting. In summary, this variant met the criteria to receive a score of -1 and to be classified as a variant of uncertain significance (uncertain significance classification range -1 to 5, adapted from PMID: 32720330) for primary open angle glaucoma based on the ACMG/AMP criteria met, as specified by the ClinGen Glaucoma VCEP (v2.0.0, 5 Dec 2024): BP4_Moderate, PM2_Supporting